The following is an entry in ClinVar:

NM_001875.5(CPS1):c.2429A>G (p.Gln810Arg)

Gene: CPS1 (carbamoyl-phosphate synthase 1; plus strand). Cytogenetic location: 2q34.
Variant type: single nucleotide variant.
Coding change: c.2429A>G on transcript NM_001875.5 (MANE Select); coding-DNA position 2429, A replaced by G.
Protein change: p.Gln810Arg; replaces glutamine 810 with arginine.
Molecular consequence: missense variant. On other transcripts: non-coding transcript variant (2).
Genome position (GRCh38, 1-based): chr2:210,612,154, A>G. VCF-style: chr2-210612154-A-G. GRCh37 (hg19) VCF-style: chr2-211476878-A-G.
Other names: c.2429A>G (LRG_336t1); c.2429A>G, p.Gln810Arg (NM_001122633.3, NM_001369257.1); c.2462A>G, p.Gln821Arg (NM_001369256.1); short protein forms Q810R, Q821R.
Identifiers: ClinVar variation 558483 (VCV000558483.7), dbSNP rs1553513864, ClinGen allele CA350440293.

ClinVar aggregate classification (germline): Pathogenic. Review status: criteria provided, multiple submitters, no conflicts (2 of 4 stars). 3 submissions from 3 submitters: Pathogenic (2). 1 of the submissions does not count toward it. Last evaluated 2025-03-26.

Conditions:
Congenital hyperammonemia, type I. Also called: Carbamoyl-phosphate synthase I deficiency; CPS I DEFICIENCY; Carbamoyl phosphate synthetase I deficiency disease; Carbamoyl phosphate synthetase 1 deficiency; Hyperammonemia due to carbamoyl phosphate synthetase 1 deficiency; CPS 1 deficiency. Identifiers: Orphanet 147, MedGen C4082171, MONDO:0009376, OMIM 237300.

Submissions (3):

Women's Health and Genetics/Laboratory Corporation of America, LabCorp
Classification: Pathogenic for Congenital hyperammonemia, type I. Last evaluated: 2025-03-26. Review status: criteria provided, single submitter. Criteria: LabCorp Variant Classification Summary - May 2015. Collection method: clinical testing. Allele origin: germline.
Comment: Variant summary: CPS1 c.2429A>G (p.Gln810Arg) results in a conservative amino acid change in the encoded protein sequence. Four of five in-silico tools predict a damaging effect of the variant on protein function. The variant was absent in 251048 control chromosomes. c.2429A>G has been reported in the literature in multiple individuals affected with Carbamoylphosphate Synthetase I Deficiency (Eeds_2006, Funghini_2003, Funghini_2012, Markis_2021). These data indicate that the variant is very likely to be associated with disease. To our knowledge, no experimental evidence demonstrating an impact on protein function has been reported. The following publications have been ascertained in the context of this evaluation (PMID: 16737834, 12955727, 22173106, 33309754, 20800523). ClinVar contains an entry for this variant (Variation ID: 558483). Based on the evidence outlined above, the variant was classified as pathogenic.

Labcorp Genetics (formerly Invitae), Labcorp
Classification: Pathogenic for Congenital hyperammonemia, type I. Last evaluated: 2023-12-05. Review status: criteria provided, single submitter. Criteria: Invitae Variant Classification Sherloc (09022015). Collection method: clinical testing. Allele origin: germline.
Comment: This sequence change replaces glutamine, which is neutral and polar, with arginine, which is basic and polar, at codon 810 of the CPS1 protein (p.Gln810Arg). This variant is not present in population databases (gnomAD no frequency). This missense change has been observed in individual(s) with carbamoyl phosphate synthetase I deficiency (PMID: 12955727, 16737834, 22173106). In at least one individual the data is consistent with being in trans (on the opposite chromosome) from a pathogenic variant. This variant is also known as c.2552A>G. ClinVar contains an entry for this variant (Variation ID: 558483). Advanced modeling of protein sequence and biophysical properties (such as structural, functional, and spatial information, amino acid conservation, physicochemical variation, residue mobility, and thermodynamic stability) performed at Invitae indicates that this missense variant is expected to disrupt CPS1 protein function with a positive predictive value of 80%. This variant disrupts the p.Gln810 amino acid residue in CPS1. Other variant(s) that disrupt this residue have been observed in individuals with CPS1-related conditions (PMID: 33611823), which suggests that this may be a clinically significant amino acid residue. For these reasons, this variant has been classified as Pathogenic.

Counsyl
Classification: Likely pathogenic for Congenital hyperammonemia, type I. Last evaluated: 2018-05-23. Review status: no assertion criteria provided. Collection method: clinical testing. Allele origin: unknown. Not counted in ClinVar's aggregate classification.

Literature cited by the submitters: PubMed 20800523 (cited by Women's Health and Genetics/Laboratory Corporation of America, LabCorp); PubMed 22173106 (cited by 3 submitters); PubMed 16737834 (cited by 3 submitters); PubMed 33309754 (cited by Women's Health and Genetics/Laboratory Corporation of America, LabCorp); PubMed 12955727 (cited by 3 submitters); PubMed 33611823 (cited by Labcorp Genetics (formerly Invitae), Labcorp).